The following is an entry in ClinVar:

NM_005732.4(RAD50):c.3169C>T (p.His1057Tyr)

Gene: RAD50 (RAD50 double strand break repair protein; plus strand). Cytogenetic location: 5q31.1.
Variant type: single nucleotide variant.
Coding change: c.3169C>T on transcript NM_005732.4 (MANE Select); coding-DNA position 3169, C replaced by T.
Protein change: p.His1057Tyr; replaces histidine 1057 with tyrosine.
Molecular consequence: missense variant.
Genome position (GRCh38, 1-based): chr5:132,618,074, C>T. VCF-style: chr5-132618074-C-T. GRCh37 (hg19) VCF-style: chr5-131953766-C-T.
Other names: short protein forms H1057Y.
Identifiers: ClinVar variation 4677969 (VCV004677969.1).

ClinVar aggregate classification (germline): Uncertain significance (1 of 4 stars; one submission).

Conditions:
Hereditary cancer-predisposing syndrome. Also called: Neoplastic Syndromes, Hereditary; Tumor predisposition; Hereditary Cancer Syndrome; Hereditary neoplastic syndrome. Identifiers: Orphanet 140162, MedGen C0027672, MeSH D009386, MONDO:0015356.

Submission:

Ambry Genetics
Classification: Uncertain significance for Hereditary cancer-predisposing syndrome. Last evaluated: 2025-10-22. Review status: criteria provided, single submitter. Criteria: Ambry Variant Classification Scheme 2023. Collection method: clinical testing. Allele origin: germline.
Comment: The p.H1057Y variant (also known as c.3169C>T), located in coding exon 21 of the RAD50 gene, results from a C to T substitution at nucleotide position 3169. The histidine at codon 1057 is replaced by tyrosine, an amino acid with similar properties. This amino acid position is conserved. In addition, this alteration is predicted to be tolerated by in silico analysis. Based on the available evidence, the clinical significance of this variant remains unclear.